The following is an entry in ClinVar:

ClinVar aggregate classification (germline): Uncertain significance (0 of 4 stars; one submission).

Conditions:
SETD1A-related disorder. Also called: SETD1A-related condition.

Submission:

PreventionGenetics, part of Exact Sciences
Classification: Uncertain significance for SETD1A-related condition. Last evaluated: 2024-04-03. Review status: no assertion criteria provided. Collection method: clinical testing. Allele origin: germline.
Comment: The SETD1A c.4198C>A variant is predicted to result in the amino acid substitution p.Arg1400Ser. To our knowledge, this variant has not been reported in the literature or in a large population database, indicating this variant is rare. At this time, the clinical significance of this variant is uncertain due to the absence of conclusive functional and genetic evidence.

NM_014712.3(SETD1A):c.4198C>A (p.Arg1400Ser)

Gene: SETD1A (SET domain containing 1A, histone lysine methyltransferase; plus strand). Cytogenetic location: 16p11.2.
Variant type: single nucleotide variant.
Coding change: c.4198C>A on transcript NM_014712.3 (MANE Select); coding-DNA position 4198, C replaced by A.
Protein change: p.Arg1400Ser; replaces arginine 1400 with serine.
Molecular consequence: missense variant.
Genome position (GRCh38, 1-based): chr16:30,979,984, C>A. VCF-style: chr16-30979984-C-A. GRCh37 (hg19) VCF-style: chr16-30991305-C-A.
Other names: short protein forms R1400S.
Identifiers: ClinVar variation 3350127 (VCV003350127.1).